The following is an entry in ClinVar:

NM_173651.4(FSIP2):c.19661T>G (p.Leu6554Arg)

Gene: FSIP2 (fibrous sheath interacting protein 2; plus strand). Cytogenetic location: 2q32.1.
Variant type: single nucleotide variant.
Coding change: c.19661T>G on transcript NM_173651.4 (MANE Select); coding-DNA position 19661, T replaced by G.
Protein change: p.Leu6554Arg; replaces leucine 6554 with arginine.
Molecular consequence: missense variant.
Genome position (GRCh38, 1-based): chr2:185,808,967, T>G. VCF-style: chr2-185808967-T-G. GRCh37 (hg19) VCF-style: chr2-186673694-T-G.
Other names: c.19928T>G (NM_173651.2); short protein forms L6554R.
Identifiers: ClinVar variation 1050606 (VCV001050606.5), dbSNP rs374520767, ClinGen allele CA2017741.

ClinVar aggregate classification (germline): Uncertain significance. Review status: criteria provided, single submitter (1 of 4 stars). 2 submissions from 2 submitters: Uncertain significance (1). 1 of the submissions does not count toward it. Last evaluated 2025-01-20.

Allele frequency attached by ClinVar (database versions not stated): gnomAD exomes 0.00005 and 0.00015; ExAC 0.00008; TOPMed 0.00010; gnomAD 0.00011 and 0.00012; ESP Exome Variant Server 0.00017.
gnomAD v4.1: 247 of 1,610,292 alleles (0.015%); highest among the groups gnomAD compares: Non-Finnish European, 0.019%; no homozygotes.

Submissions (2):

Ambry Genetics
Classification: Uncertain significance. Last evaluated: 2025-01-20. Review status: criteria provided, single submitter. Criteria: Ambry Variant Classification Scheme 2023. Collection method: clinical testing. Allele origin: germline.

Department of Pathology and Laboratory Medicine, Sinai Health System
Classification: Uncertain significance. Review status: no assertion criteria provided. Collection method: clinical testing. Allele origin: unknown. Affected: yes. Study: The Canadian Open Genetics Repository (COGR). Not counted in ClinVar's aggregate classification.
Comment: The FSIP2 p.Leu6554Arg variant was not identified in the literature nor was it identified in ClinVar. The variant was identified in dbSNP (ID: rs374520767) and in control databases in 16 of 274088 chromosomes at a frequency of 0.00005838 (Genome Aggregation Database March 6, 2019, v2.1.1). The variant was observed in the following populations: Other in 1 of 6964 chromosomes (freq: 0.000144), European (non-Finnish) in 13 of 124454 chromosomes (freq: 0.000105) and Latino in 2 of 34664 chromosomes (freq: 0.000058), but was not observed in the African, Ashkenazi Jewish, East Asian, European (Finnish), or South Asian populations. The p.Leu6554 residue is conserved in mammals and computational analyses (PolyPhen-2, SIFT, AlignGVGD, BLOSUM, MutationTaster) provide inconsistent predictions regarding the impact to the protein; this information is not very predictive of pathogenicity. The variant occurs outside of the splicing consensus sequence and 3 of 4 in silico or computational prediction software programs (SpliceSiteFinder, MaxEntScan, NNSPLICE, GeneSplicer) predict a greater than 10% difference in splicing. However, this has not been confirmed by RNA analysis and is not predictive enough to assume pathogenicity. In summary, based on the above information the clinical significance of this variant cannot be determined with certainty at this time. This variant is classified as a variant of uncertain significance.